The following is an entry in ClinVar:

NM_001005242.3(PKP2):c.2141G>A (p.Arg714Gln)

Gene: PKP2 (plakophilin 2; minus strand). Cytogenetic location: 12p11.21.
Variant type: single nucleotide variant.
Coding change: c.2141G>A on transcript NM_001005242.3 (MANE Select); coding-DNA position 2141, G replaced by A.
Protein change: p.Arg714Gln; replaces arginine 714 with glutamine.
Molecular consequence: missense variant.
Genome position (GRCh38, 1-based): chr12:32,802,429, C>T on the plus strand (G>A on the coding strand, the complement: PKP2 is on the minus strand). VCF-style: chr12-32802429-C-T. GRCh37 (hg19) VCF-style: chr12-32955363-C-T.
Other names: p.R758Q:CGG>CAG; c.2273G>A, p.Arg758Gln (NM_004572.4); short protein forms R758Q, R714Q.
Identifiers: ClinVar variation 45062 (VCV000045062.27), dbSNP rs397517020, ClinGen allele CA011839.
Genomic context (GRCh38, chr12:32,802,429, plus strand): 5'-TACATATTACACATAGATACTTATACCGACTCACCAATTTCATTCTGCAGAGAAAGATTC[C>T]GGGACAGATTCCTCAGCAGCGAGATGGCTGTCTTTTTCACACTTGGGTCACCAACATGCA-3'
Protein context (NP_001005242.2, residues 704-724): TAISLLRNLS[Arg714Gln]NLSLQNEIAK

ClinVar aggregate classification (germline): Uncertain significance. Review status: criteria provided, multiple submitters, no conflicts (2 of 4 stars). 7 submissions from 7 submitters: Uncertain significance (7). Last evaluated 2026-08-18.

Conditions:
PKP2-related disorder. Also called: PKP2-related condition.
Cardiovascular phenotype. Identifiers: MedGen CN230736.
Cardiomyopathy (CMYO). Also called: Cardiomyopathies. Identifiers: Orphanet 167848, MedGen C0878544, MONDO:0004994, HP:0001638. Inheritance: Various modes of inheritance.
Arrhythmogenic right ventricular cardiomyopathy (ARVD). Also called: Arrhythmogenic right ventricular dysplasia; Cardiomyopathy, ARVC; Arrhythmogenic Right Ventricular Cardiomyopathy (ARVC); Arrhythmogenic cardiomyopathy. Identifiers: Orphanet 247, MedGen C0349788, MeSH D019571, MONDO:0016587. Disease mechanism: loss of function. Inheritance: Various modes of inheritance.
Arrhythmogenic right ventricular dysplasia 9 (ARVD9). Also called: Arrhythmogenic Right Ventricular Dysplasia/Cardiomyopathy 9; ARRHYTHMOGENIC RIGHT VENTRICULAR DYSPLASIA, FAMILIAL, 9. Identifiers: MedGen C1836906, MONDO:0012180, OMIM 609040.

Allele frequency attached by ClinVar (database versions not stated): gnomAD 0.00003 and 0.00004; gnomAD exomes 0.00004; ExAC 0.00005; TOPMed 0.00006.
gnomAD v4.1: 59 of 1,613,970 alleles (0.0037%); highest among the groups gnomAD compares: Middle Eastern, 0.016%; no homozygotes.

Submissions (7):

PreventionGenetics, part of Exact Sciences
Classification: Uncertain significance for PKP2-related condition. Last evaluated: 2026-08-18. Review status: criteria provided, single submitter. Criteria: ACMG Guidelines, 2015. Collection method: clinical testing. Allele origin: germline.
Comment: The PKP2 c.2273G>A variant is predicted to result in the amino acid substitution p.Arg758Gln. To our knowledge, this variant has not been reported in the literature. This variant is reported in 0.015% of alleles in individuals of East Asian descent in gnomAD. Although we suspect that this variant may be benign, at this time, the clinical significance of this variant is uncertain due to the absence of conclusive functional and genetic evidence.

Labcorp Genetics (formerly Invitae), Labcorp
Classification: Uncertain significance for Arrhythmogenic right ventricular dysplasia 9. Last evaluated: 2026-01-21. Review status: criteria provided, single submitter. Criteria: Invitae Variant Classification Sherloc (09022015). Collection method: clinical testing. Allele origin: germline.
Comment: This sequence change replaces arginine, which is basic and polar, with glutamine, which is neutral and polar, at codon 758 of the PKP2 protein (p.Arg758Gln). This variant is present in population databases (rs397517020, gnomAD 0.02%). This variant has not been reported in the literature in individuals affected with PKP2-related conditions. ClinVar contains an entry for this variant (Variation ID: 45062). An algorithm developed to predict the effect of missense changes on protein structure and function (PolyPhen-2) suggests that this variant is likely to be disruptive. In summary, the available evidence is currently insufficient to determine the role of this variant in disease. Therefore, it has been classified as a Variant of Uncertain Significance.

Color Diagnostics, LLC DBA Color Health
Classification: Uncertain significance for Cardiomyopathy. Last evaluated: 2025-03-10. Review status: criteria provided, single submitter. Criteria: ACMG Guidelines, 2015. Collection method: clinical testing. Allele origin: germline.
Comment: This missense variant replaces arginine with glutamine at codon 758 of the PKP2 protein. Computational prediction suggests that this variant may not impact protein structure and function (internally defined REVEL score threshold <= 0.5, PMID: 27666373). To our knowledge, functional studies have not been reported for this variant. This variant has not been reported in individuals affected with cardiovascular disorders in the literature. This variant has been identified in 12/282796 chromosomes in the general population by the Genome Aggregation Database (gnomAD). The available evidence is insufficient to determine the role of this variant in disease conclusively. Therefore, this variant is classified as a Variant of Uncertain Significance.

Ambry Genetics
Classification: Uncertain significance for Cardiovascular phenotype. Last evaluated: 2024-11-09. Review status: criteria provided, single submitter. Criteria: Ambry Variant Classification Scheme 2023. Collection method: clinical testing. Allele origin: germline.

GeneDx
Classification: Uncertain significance. Last evaluated: 2024-05-22. Review status: criteria provided, single submitter. Criteria: GeneDx Variant Classification Process June 2021. Collection method: clinical testing. Allele origin: germline. Affected: yes.
Comment: Has not been previously published as pathogenic or benign to our knowledge; In silico analysis supports that this missense variant has a deleterious effect on protein structure/function

All of Us Research Program, National Institutes of Health
Classification: Uncertain significance for Arrhythmogenic right ventricular cardiomyopathy. Last evaluated: 2024-04-16. Review status: criteria provided, single submitter. Criteria: ACMG Guidelines, 2015. Collection method: clinical testing. Allele origin: germline. Inheritance: Autosomal dominant inheritance. Observed: 3 variant alleles, 3 heterozygotes.
Comment: This missense variant replaces arginine with glutamine at codon 758 of the PKP2 protein. Computational prediction suggests that this variant may not impact protein structure and function (internally defined REVEL score threshold <= 0.5, PMID: 27666373). To our knowledge, functional studies have not been reported for this variant. This variant has not been reported in individuals affected with cardiovascular disorders in the literature. This variant has been identified in 12/282796 chromosomes in the general population by the Genome Aggregation Database (gnomAD). The available evidence is insufficient to determine the role of this variant in disease conclusively. Therefore, this variant is classified as a Variant of Uncertain Significance.

This study involves interpretation of variants in research participants for the purpose of population health screening. Participant phenotype was not available at the time of variant classification. Additional details can be found in publication PMID: 35346344, PMCID: PMC8962531

Laboratory for Molecular Medicine, Mass General Brigham Personalized Medicine
Classification: Uncertain significance. Last evaluated: 2014-07-03. Review status: criteria provided, single submitter. Criteria: LMM Criteria. Collection method: clinical testing. Allele origin: germline. Observed: 2 variant alleles.
Comment: The Arg758Gln variant in PKP2 has not been reported in any other families with c ardiomyopathy and was absent from large populations studies. Computational predi ction tools and conservation analysis suggest that this variant may impact the p rotein, though this information is not predictive enough to determine pathogenic ity. In summary, the clinical significance of the Arg758Gln variant is uncertain .